The following is an entry in ClinVar:

ClinVar aggregate classification (germline): Uncertain significance (1 of 4 stars; one submission).

Conditions:
Neurofibromatosis, type 2 (SWNV). Also called: BILATERAL ACOUSTIC NEUROFIBROMATOSIS; SCHWANNOMATOSIS, VESTIBULAR; NF2-Related Schwannomatosis. Identifiers: Orphanet 637, MedGen C0027832, MONDO:0007039, OMIM 101000. Disease mechanism: loss of function.

Submission:

Labcorp Genetics (formerly Invitae), Labcorp
Classification: Uncertain significance for Neurofibromatosis, type 2. Last evaluated: 2024-06-02. Review status: criteria provided, single submitter. Criteria: Invitae Variant Classification Sherloc (09022015). Collection method: clinical testing. Allele origin: germline.
Comment: This sequence change falls in intron 6 of the NF2 gene. It does not directly change the encoded amino acid sequence of the NF2 protein. It affects a nucleotide within the consensus splice site. This variant is not present in population databases (gnomAD no frequency). This variant has not been reported in the literature in individuals affected with NF2-related conditions. Variants that disrupt the consensus splice site are a relatively common cause of aberrant splicing (PMID: 17576681, 9536098). Algorithms developed to predict the effect of sequence changes on RNA splicing suggest that this variant may disrupt the consensus splice site. In summary, the available evidence is currently insufficient to determine the role of this variant in disease. Therefore, it has been classified as a Variant of Uncertain Significance.

Literature cited by the submitters: PubMed 17576681; PubMed 9536098.

NM_000268.4(NF2):c.600-10_600-3del

Gene: NF2 (NF2, moesin-ezrin-radixin like (MERLIN) tumor suppressor; plus strand). Cytogenetic location: 22q12.2.
Variant type: Deletion.
Coding change: c.600-10_600-3del on transcript NM_000268.4 (MANE Select); 10 bases into the intron before coding-DNA position 600 through 3 bases into the intron before coding-DNA position 600, 8 bases deleted (CTCCCCAC; older notation c.600-10_600-3delCTCCCCAC).
Molecular consequence: intron variant.
Genome position (GRCh38, 1-based): chr22:29,658,179-29,658,186, CTCCCCAC deleted. VCF-style (leftmost placement, unchanged base first): chr22-29658178-TCTCCCCAC-T. GRCh37 (hg19) VCF-style: chr22-30054167-TCTCCCCAC-T.
Other names: c.600-10_600-3del (NM_016418.5, NM_181832.3, NM_001407060.1 and 4 more transcripts); c.486-10_486-3del (NM_001407056.1, NM_001407053.1); c.369-10_369-3del (NM_001407067.1); c.66-10_66-3del (NM_001407065.1); c.447+15894_447+15901del (NM_181833.3); c.477-10_477-3del (NM_001407058.1, NM_181829.3, NM_001407054.1 and 1 more transcripts); c.474-10_474-3del (NM_181828.3, NM_001407055.1); c.351-10_351-3del (NM_001407063.1, NM_181830.3, NM_001407064.1 and 1 more transcripts).
Identifiers: ClinVar variation 3655268 (VCV003655268.2).